The following is an entry in ClinVar:

NM_001348323.3(TRIP12):c.785C>T (p.Ala262Val)

Gene: TRIP12 (thyroid hormone receptor interactor 12; minus strand). Cytogenetic location: 2q36.3.
Variant type: single nucleotide variant.
Coding change: c.785C>T on transcript NM_001348323.3 (MANE Select); coding-DNA position 785, C replaced by T.
Protein change: p.Ala262Val; replaces alanine 262 with valine.
Molecular consequence: missense variant. On other transcripts: intron variant (1).
Genome position (GRCh38, 1-based): chr2:229,859,014, G>A on the plus strand (C>T on the coding strand, the complement: TRIP12 is on the minus strand). VCF-style: chr2-229859014-G-A. GRCh37 (hg19) VCF-style: chr2-230723730-G-A.
Other names: c.785C>T, p.Ala262Val (NM_001284214.2, NM_001348315.2, NM_001348319.1 and 15 more transcripts); c.659C>T, p.Ala220Val (NM_001284215.2, NM_001348316.2, NM_001348317.1 and 3 more transcripts); c.98+20968C>T (NM_001284216.2); short protein forms A220V, A262V.
Identifiers: ClinVar variation 1379554 (VCV001379554.6), dbSNP rs2154335966, ClinGen allele CA350895615.
Genomic context (GRCh38, chr2:229,859,014, plus strand): 5'-GGACTGGACGCTGAACGGGAACGCCTGGCCTTGTTCTGATCTTTTCCTTGTTTCACTCTG[G>A]CACCTGGTGGTACAGTGGAGGAGGCCGAGGCTACAGCAGAAGACGAGGAGGAAGTAGAGG-3'
Protein context (NP_001335252.1, residues 252-272): ASASSTVPPG[Ala262Val]RVKQGKDQNK

ClinVar aggregate classification (germline): Uncertain significance (1 of 4 stars; one submission).

gnomAD v4.1: 1 of 1,614,190 alleles (0.000062%); highest among the groups gnomAD compares: Non-Finnish European, 0.000085%; no homozygotes.

Submission:

Labcorp Genetics (formerly Invitae), Labcorp
Classification: Uncertain significance. Last evaluated: 2024-09-27. Review status: criteria provided, single submitter. Criteria: Invitae Variant Classification Sherloc (09022015). Collection method: clinical testing. Allele origin: germline.
Comment: This sequence change replaces alanine, which is neutral and non-polar, with valine, which is neutral and non-polar, at codon 220 of the TRIP12 protein (p.Ala220Val). This variant is not present in population databases (gnomAD no frequency). This variant has not been reported in the literature in individuals affected with TRIP12-related conditions. ClinVar contains an entry for this variant (Variation ID: 1379554). An algorithm developed to predict the effect of missense changes on protein structure and function (PolyPhen-2) suggests that this variant is likely to be disruptive. In summary, the available evidence is currently insufficient to determine the role of this variant in disease. Therefore, it has been classified as a Variant of Uncertain Significance.